The following is an entry in ClinVar:

NM_001093.4(ACACB):c.4854C>T (p.Tyr1618=)

Gene: ACACB (acetyl-CoA carboxylase beta; plus strand). Cytogenetic location: 12q24.11.
Variant type: single nucleotide variant.
Coding change: c.4854C>T on transcript NM_001093.4 (MANE Select); coding-DNA position 4854, C replaced by T.
Protein change: p.Tyr1618=; no amino-acid change (tyrosine 1618 retained).
Molecular consequence: synonymous variant.
Genome position (GRCh38, 1-based): chr12:109,241,113, C>T. VCF-style: chr12-109241113-C-T. GRCh37 (hg19) VCF-style: chr12-109678918-C-T.
Other names: c.4854C>T, p.Tyr1618= (NM_001412734.1, NM_001412735.1); c.4248C>T, p.Tyr1416= (NM_001412736.1, NM_001412739.1); c.4227C>T, p.Tyr1409= (NM_001412737.1); c.4059C>T, p.Tyr1353= (NM_001412738.1).
Identifiers: ClinVar variation 3054345 (VCV003054345.2), dbSNP rs147718391, ClinGen allele CA6774547.

ClinVar aggregate classification (germline): Likely benign (0 of 4 stars; one submission).

Conditions:
ACACB-related disorder. Also called: ACACB-related condition.

Allele frequency attached by ClinVar (database versions not stated): ExAC 0.00007; TOPMed 0.00014; ESP Exome Variant Server 0.00015; 1000 Genomes Project 30x 0.00016; gnomAD 0.00016; gnomAD exomes 0.00022; 1000 Genomes Project 0.00040.
gnomAD v4.1: 346 of 1,614,056 alleles (0.021%); highest among the groups gnomAD compares: Non-Finnish European, 0.026%; no homozygotes.

Submission:

PreventionGenetics, part of Exact Sciences
Classification: Likely benign for ACACB-related condition. Last evaluated: 2023-10-08. Review status: no assertion criteria provided. Collection method: clinical testing. Allele origin: germline.
Comment: This variant is classified as likely benign based on ACMG/AMP sequence variant interpretation guidelines (Richards et al. 2015 PMID: 25741868, with internal and published modifications).